The following is an entry in ClinVar:

ClinVar aggregate classification (germline): Uncertain significance (1 of 4 stars; one submission).

Conditions:
Familial cancer of breast. Also called: hereditary breast carcinoma; Hereditary breast cancer; BREAST CANCER, FAMILIAL. Identifiers: Orphanet 227535, MedGen C0346153, MONDO:0016419, OMIM 114480. Disease mechanism: loss of function.

Submission:

Labcorp Genetics (formerly Invitae), Labcorp
Classification: Uncertain significance for Familial cancer of breast. Last evaluated: 2018-10-13. Review status: criteria provided, single submitter. Criteria: Invitae Variant Classification Sherloc (09022015). Collection method: clinical testing. Allele origin: germline.
Comment: In summary, the available evidence is currently insufficient to determine the role of this variant in disease. Therefore, it has been classified as a Variant of Uncertain Significance. Algorithms developed to predict the effect of missense changes on protein structure and function (SIFT, PolyPhen-2, Align-GVGD) all suggest that this variant is likely to be tolerated, but these predictions have not been confirmed by published functional studies and their clinical significance is uncertain. This variant has not been reported in the literature in individuals with PALB2-related disease. This variant is not present in population databases (ExAC no frequency). This sequence change replaces aspartic acid with alanine at codon 585 of the PALB2 protein (p.Asp585Ala). The aspartic acid residue is weakly conserved and there is a moderate physicochemical difference between aspartic acid and alanine.

NM_024675.4(PALB2):c.1754A>C (p.Asp585Ala)

Gene: PALB2 (partner and localizer of BRCA2; minus strand). Cytogenetic location: 16p12.2.
Variant type: single nucleotide variant.
Coding change: c.1754A>C on transcript NM_024675.4 (MANE Select); coding-DNA position 1754, A replaced by C.
Protein change: p.Asp585Ala; replaces aspartic acid 585 with alanine.
Molecular consequence: missense variant.
Genome position (GRCh38, 1-based): chr16:23,630,400, T>G on the plus strand (A>C on the coding strand, the complement: PALB2 is on the minus strand). VCF-style: chr16-23630400-T-G. GRCh37 (hg19) VCF-style: chr16-23641721-T-G.
Other names: short protein forms D585A.
Identifiers: ClinVar variation 644866 (VCV000644866.9), dbSNP rs1597091293, ClinGen allele CA395128244.